The following is an entry in ClinVar:

NM_000169.3(GLA):c.1033T>C (p.Ser345Pro)

Genes: GLA (galactosidase alpha; minus strand), RPL36A-HNRNPH2 (RPL36A-HNRNPH2 readthrough; plus strand). Cytogenetic location: Xq22.1.
Variant type: single nucleotide variant.
Coding change: c.1033T>C on transcript NM_000169.3 (MANE Select); coding-DNA position 1033, T replaced by C.
Protein change: p.Ser345Pro; replaces serine 345 with proline.
Molecular consequence: missense variant. On other transcripts: non-coding transcript variant (3), intron variant (2).
Genome position (GRCh38, 1-based): chrX:101,398,066, A>G on the plus strand (T>C on the coding strand, the complement: GLA is on the minus strand). VCF-style: chrX-101398066-A-G. GRCh37 (hg19) VCF-style: chrX-100653054-A-G.
Other names: c.1156T>C, p.Ser386Pro (NM_001406747.1); c.300+2609A>G (NM_001199973.2); c.177+6244A>G (NM_001199974.2); short protein forms S345P, S386P.
Identifiers: ClinVar variation 4087623 (VCV004087623.2).

ClinVar aggregate classification (germline): Pathogenic (1 of 4 stars; one submission).

Conditions:
Fabry disease. Also called: ALPHA-GALACTOSIDASE A DEFICIENCY; ANDERSON-FABRY DISEASE; CERAMIDE TRIHEXOSIDASE DEFICIENCY; GLA DEFICIENCY; HEREDITARY DYSTOPIC LIPIDOSIS; Angiokeratoma corporis diffusum. Identifiers: Orphanet 324, MedGen C0002986, MONDO:0010526, OMIM 301500, HP:0001071. Disease mechanism: Fabry disease is due to inactivating mutations in the X-linked GLA gene resulting in deficiency of the enzyme Alpha Galactosidase-A., loss of function.

Submission:

Genomenon, Inc
Classification: Pathogenic for Fabry disease. Last evaluated: 2026-09-08. Review status: criteria provided, single submitter. Criteria: Genomenon Sequence Variant Interpretation Standards - Updated. Collection method: curation. Allele origin: germline. Affected: yes.
Comment: GLA p.Ser345Pro (c.1033T>C) is a missense variant that changes the amino acid at codon 345 from Serine to Proline. This variant has been observed in at least one proband with clinical features consistent with Fabry disease (PMID:20022777;39766319;33807900;28728877;29688992;27773586;28682471;18941922;35765080;28663131;33633114;37240859;31449323;39980015;37470867). The variant was found to segregate with disease in at least one affected family (PMID:28663131;37470867). At least one functional study has demonstrated a substantial alteration in protein function relative to the wild-type (PMID:32023956;27657681). It is absent or not present at a significant frequency in gnomAD. In silico models predict that this variant is possibly or probably damaging. In conclusion, we classify GLA p.Ser345Pro (c.1033T>C) as a pathogenic variant.

Literature cited by the submitters: PubMed 20022777; PubMed 39766319; PubMed 33807900; PubMed 28728877; PubMed 29688992; PubMed 27773586; PubMed 28682471; PubMed 18941922; PubMed 35765080; PubMed 28663131; PubMed 33633114; PubMed 37240859; PubMed 31449323; PubMed 39980015; PubMed 37470867; PubMed 32023956; PubMed 27657681.